The following is an entry in ClinVar:

ClinVar aggregate classification (germline): Uncertain significance (1 of 4 stars; one submission).

Allele frequency attached by ClinVar (database versions not stated): gnomAD 0.00001; gnomAD exomes 0.00001; ExAC 0.00002; ESP Exome Variant Server 0.00008.
gnomAD v4.1: 17 of 1,613,954 alleles (0.0011%); highest among the groups gnomAD compares: Admixed American, 0.0017%; no homozygotes.

Submission:

Labcorp Genetics (formerly Invitae), Labcorp
Classification: Uncertain significance. Last evaluated: 2022-08-15. Review status: criteria provided, single submitter. Criteria: Invitae Variant Classification Sherloc (09022015). Collection method: clinical testing. Allele origin: germline.
Comment: This variant is present in population databases (rs146953824, gnomAD 0.003%). This variant has not been reported in the literature in individuals affected with PLAA-related conditions. Algorithms developed to predict the effect of missense changes on protein structure and function (SIFT, PolyPhen-2, Align-GVGD) all suggest that this variant is likely to be tolerated. In summary, the available evidence is currently insufficient to determine the role of this variant in disease. Therefore, it has been classified as a Variant of Uncertain Significance. This sequence change replaces glutamic acid, which is acidic and polar, with glycine, which is neutral and non-polar, at codon 720 of the PLAA protein (p.Glu720Gly).

NM_001031689.3(PLAA):c.2159A>G (p.Glu720Gly)

Gene: PLAA (phospholipase A2 activating protein; minus strand). Cytogenetic location: 9p21.2.
Variant type: single nucleotide variant.
Coding change: c.2159A>G on transcript NM_001031689.3 (MANE Select); coding-DNA position 2159, A replaced by G.
Protein change: p.Glu720Gly; replaces glutamic acid 720 with glycine.
Molecular consequence: missense variant.
Genome position (GRCh38, 1-based): chr9:26,905,740, T>C on the plus strand (A>G on the coding strand, the complement: PLAA is on the minus strand). VCF-style: chr9-26905740-T-C. GRCh37 (hg19) VCF-style: chr9-26905738-T-C.
Other names: c.2090A>G, p.Glu697Gly (NM_001321546.2); short protein forms E720G, E697G.
Identifiers: ClinVar variation 2198219 (VCV002198219.4), dbSNP rs146953824, ClinGen allele CA5014165.
Genomic context (GRCh38, chr9:26,905,740, plus strand): 5'-TCTAGGTCTTGTACTACTTCCAAGATTGTGCTAATTAGTGACAAACATTGGGCTTTCCCT[T>C]CAATGTTATGGTCTTTATGAAAACAAACAGAATAGTTCAGGGCCAATGTAGCCAGAGCAA-3'
Protein context (NP_001026859.1, residues 710-730): SVCFHKDHNI[Glu720Gly]GKAQCLSLIS